The following is an entry in ClinVar:

NM_001082538.3(TCTN1):c.809C>A (p.Pro270Gln)

Gene: TCTN1 (tectonic family member 1; plus strand). Cytogenetic location: 12q24.11.
Variant type: single nucleotide variant.
Coding change: c.809C>A on transcript NM_001082538.3 (MANE Select); coding-DNA position 809, C replaced by A.
Protein change: p.Pro270Gln; replaces proline 270 with glutamine.
Molecular consequence: missense variant. On other transcripts: non-coding transcript variant (1), intron variant (1).
Genome position (GRCh38, 1-based): chr12:110,634,766, C>A. VCF-style: chr12-110634766-C-A. GRCh37 (hg19) VCF-style: chr12-111072571-C-A.
Other names: c.809C>A, p.Pro270Gln (NM_001082537.3, NM_001319680.2); c.641C>A, p.Pro214Gln (NM_001173975.3); c.629C>A, p.Pro210Gln (NM_001173976.2); c.275C>A, p.Pro92Gln (NM_001319681.2); c.780+303C>A (NM_024549.6); short protein forms P214Q, P92Q, P210Q, P270Q.
Identifiers: ClinVar variation 2110054 (VCV002110054.4), dbSNP rs199525130, ClinGen allele CA386703938.

ClinVar aggregate classification (germline): Uncertain significance (1 of 4 stars; one submission).

Conditions:
Joubert syndrome. Also called: CEREBELLOPARENCHYMAL DISORDER IV; JOUBERT-BOLTSHAUSER SYNDROME; Familial aplasia of the vermis. Identifiers: Orphanet 475, MedGen C5979921, MONDO:0018772.
Meckel-Gruber syndrome. Also called: DYSENCEPHALIA SPLANCHNOCYSTICA; GRUBER SYNDROME; Dysencephalia splachnocystica. Identifiers: Orphanet 564, MedGen C0265215, MONDO:0018921.

Submission:

Labcorp Genetics (formerly Invitae), Labcorp
Classification: Uncertain significance for Joubert syndrome; Meckel-Gruber syndrome. Last evaluated: 2022-05-04. Review status: criteria provided, single submitter. Criteria: Invitae Variant Classification Sherloc (09022015). Collection method: clinical testing. Allele origin: germline.
Comment: Algorithms developed to predict the effect of missense changes on protein structure and function are either unavailable or do not agree on the potential impact of this missense change (SIFT: "Tolerated"; PolyPhen-2: "Probably Damaging"; Align-GVGD: "Class C0"). This variant has not been reported in the literature in individuals affected with TCTN1-related conditions. This variant is not present in population databases (gnomAD no frequency). This sequence change replaces proline, which is neutral and non-polar, with glutamine, which is neutral and polar, at codon 270 of the TCTN1 protein (p.Pro270Gln). In summary, the available evidence is currently insufficient to determine the role of this variant in disease. Therefore, it has been classified as a Variant of Uncertain Significance.